The following is an entry in ClinVar:

NM_015465.5(GEMIN5):c.4316C>T (p.Thr1439Ile)

Gene: GEMIN5 (gem nuclear organelle associated protein 5; minus strand). Cytogenetic location: 5q33.2.
Variant type: single nucleotide variant.
Coding change: c.4316C>T on transcript NM_015465.5 (MANE Select); coding-DNA position 4316, C replaced by T.
Protein change: p.Thr1439Ile; replaces threonine 1439 with isoleucine.
Molecular consequence: missense variant.
Genome position (GRCh38, 1-based): chr5:154,889,364, G>A on the plus strand (C>T on the coding strand, the complement: GEMIN5 is on the minus strand). VCF-style: chr5-154889364-G-A. GRCh37 (hg19) VCF-style: chr5-154268924-G-A.
Other names: c.4313C>T, p.Thr1438Ile (NM_001252156.2); c.4316C>T (NM_015465.3); short protein forms T1438I, T1439I.
Identifiers: ClinVar variation 2576874 (VCV002576874.2), dbSNP rs775172009, ClinGen allele CA3528161.

ClinVar aggregate classification (germline): Uncertain significance. Review status: criteria provided, multiple submitters, no conflicts (2 of 4 stars). 2 submissions from 2 submitters: Uncertain significance (2). Last evaluated 2025-08-10.

Conditions:
Inborn genetic diseases. Identifiers: MedGen C0950123, MeSH D030342.

Allele frequency attached by ClinVar (database versions not stated): ExAC 0.00001; gnomAD exomes 0.00001; TOPMed 0.00001.
gnomAD v4.1: 13 of 1,610,398 alleles (0.00081%); highest among the groups gnomAD compares: Non-Finnish European, 0.001%; no homozygotes.

Submissions (2):

Ambry Genetics
Classification: Uncertain significance for Inborn genetic diseases. Last evaluated: 2025-08-10. Review status: criteria provided, single submitter. Criteria: Ambry Variant Classification Scheme 2023. Collection method: clinical testing. Allele origin: germline.

GeneDx
Classification: Uncertain significance. Last evaluated: 2023-02-16. Review status: criteria provided, single submitter. Criteria: GeneDx Variant Classification Process June 2021. Collection method: clinical testing. Allele origin: germline. Affected: yes.
Comment: Not observed at significant frequency in large population cohorts (gnomAD); In silico analysis supports that this missense variant does not alter protein structure/function; Has not been previously published as pathogenic or benign to our knowledge